The following is an entry in ClinVar:

NM_001999.4(FBN2):c.6841A>T (p.Ile2281Phe)

Gene: FBN2 (fibrillin 2; minus strand). Cytogenetic location: 5q23.3.
Variant type: single nucleotide variant.
Coding change: c.6841A>T on transcript NM_001999.4 (MANE Select); coding-DNA position 6841, A replaced by T.
Protein change: p.Ile2281Phe; replaces isoleucine 2281 with phenylalanine.
Molecular consequence: missense variant.
Genome position (GRCh38, 1-based): chr5:128,287,347, T>A on the plus strand (A>T on the coding strand, the complement: FBN2 is on the minus strand). VCF-style: chr5-128287347-T-A. GRCh37 (hg19) VCF-style: chr5-127623039-T-A.
Other names: short protein forms I2281F.
Identifiers: ClinVar variation 213248 (VCV000213248.26), dbSNP rs115223340, ClinGen allele CA320712.

ClinVar aggregate classification (germline): Benign/Likely benign. Review status: criteria provided, multiple submitters, no conflicts (2 of 4 stars). 8 submissions from 8 submitters: Benign (1); Likely benign (5). 2 of the submissions do not count toward it. Last evaluated 2026-01-11.

Conditions:
Congenital contractural arachnodactyly (CCA). Also called: Beals-Hecht syndrome; BEALS SYNDROME; Arthrogryposis, distal, type 9. Identifiers: Orphanet 115, MedGen C0220668, MONDO:0007363, OMIM 121050.
Macular degeneration, early-onset (EOMD). Identifiers: MedGen C4015286, MONDO:0014501, OMIM 616118.
Familial thoracic aortic aneurysm and aortic dissection (TAAD). Also called: Thoracic aortic aneurysms and dissections. Identifiers: Orphanet 91387, MedGen C4707243, MONDO:0019625.

Allele frequency attached by ClinVar (database versions not stated): gnomAD exomes 0.00013 and 0.00047; ExAC 0.00055; TOPMed 0.00171; ESP Exome Variant Server 0.00177; 1000 Genomes Project 0.00240; 1000 Genomes Project 30x 0.00281.
gnomAD v4.1: 428 of 1,614,028 alleles (0.027%); highest among the groups gnomAD compares: African/African-American, 0.49%; no homozygotes.

Submissions (8):

Labcorp Genetics (formerly Invitae), Labcorp
Classification: Benign for Congenital contractural arachnodactyly. Last evaluated: 2026-01-11. Review status: criteria provided, single submitter. Criteria: Invitae Variant Classification Sherloc (09022015). Collection method: clinical testing. Allele origin: germline.

Women's Health and Genetics/Laboratory Corporation of America, LabCorp
Classification: Likely benign. Last evaluated: 2023-08-10. Review status: criteria provided, single submitter. Criteria: LabCorp Variant Classification Summary - May 2015. Collection method: clinical testing. Allele origin: germline.

Fulgent Genetics
Classification: Likely benign for Congenital contractural arachnodactyly; Macular degeneration, early-onset. Last evaluated: 2021-07-07. Review status: criteria provided, single submitter. Criteria: ACMG Guidelines, 2015. Collection method: clinical testing. Allele origin: unknown.

ARUP Laboratories, Molecular Genetics and Genomics, ARUP Laboratories
Classification: Likely benign. Last evaluated: 2019-04-25. Review status: criteria provided, single submitter. Criteria: ARUP Molecular Germline Variant Investigation Process. Collection method: clinical testing. Allele origin: germline.

GeneDx
Classification: Likely benign. Last evaluated: 2017-08-22. Review status: criteria provided, single submitter. Criteria: GeneDx Variant Classification (06012015). Collection method: clinical testing. Allele origin: germline. Affected: yes.
Comment: This variant is considered likely benign or benign based on one or more of the following criteria: it is a conservative change, it occurs at a poorly conserved position in the protein, it is predicted to be benign by multiple in silico algorithms, and/or has population frequency not consistent with disease.

Ambry Genetics
Classification: Likely benign for Familial thoracic aortic aneurysm and aortic dissection. Last evaluated: 2016-06-20. Review status: criteria provided, single submitter. Criteria: Ambry Variant Classification Scheme 2023. Collection method: clinical testing. Allele origin: germline.

Clinical Genetics DNA and cytogenetics Diagnostics Lab, Erasmus MC, Erasmus Medical Center
Classification: Likely benign. Review status: no assertion criteria provided. Collection method: clinical testing. Allele origin: germline. Affected: yes. Study: VKGL Data-share Consensus. Not counted in ClinVar's aggregate classification.

Genome Diagnostics Laboratory, University Medical Center Utrecht
Classification: Likely benign. Review status: no assertion criteria provided. Collection method: clinical testing. Allele origin: germline. Affected: yes. Study: VKGL Data-share Consensus. Not counted in ClinVar's aggregate classification.